The following is an entry in ClinVar:

ClinVar aggregate classification (germline): Uncertain significance (1 of 4 stars; one submission).

Submission:

Labcorp Genetics (formerly Invitae), Labcorp
Classification: Uncertain significance. Last evaluated: 2022-03-11. Review status: criteria provided, single submitter. Criteria: Invitae Variant Classification Sherloc (09022015). Collection method: clinical testing. Allele origin: germline.
Comment: In summary, the available evidence is currently insufficient to determine the role of this variant in disease. Therefore, it has been classified as a Variant of Uncertain Significance. This sequence change replaces valine, which is neutral and non-polar, with isoleucine, which is neutral and non-polar, at codon 3220 of the VPS13C protein (p.Val3220Ile). This variant is not present in population databases (gnomAD no frequency). This variant has not been reported in the literature in individuals affected with VPS13C-related conditions. Algorithms developed to predict the effect of missense changes on protein structure and function (SIFT, PolyPhen-2, Align-GVGD) all suggest that this variant is likely to be tolerated.

NM_020821.3(VPS13C):c.9658G>A (p.Val3220Ile)

Gene: VPS13C (vacuolar protein sorting 13 homolog C; minus strand). Cytogenetic location: 15q22.2.
Variant type: single nucleotide variant.
Coding change: c.9658G>A on transcript NM_020821.3 (MANE Select); coding-DNA position 9658, G replaced by A.
Protein change: p.Val3220Ile; replaces valine 3220 with isoleucine.
Molecular consequence: missense variant.
Genome position (GRCh38, 1-based): chr15:61,881,795, C>T on the plus strand (G>A on the coding strand, the complement: VPS13C is on the minus strand). VCF-style: chr15-61881795-C-T. GRCh37 (hg19) VCF-style: chr15-62173994-C-T.
Other names: c.9658G>A, p.Val3220Ile (NM_001018088.3); c.9529G>A, p.Val3177Ile (NM_017684.5, NM_018080.4); short protein forms V3177I, V3220I.
Identifiers: ClinVar variation 1966443 (VCV001966443.5), dbSNP rs1032186202, ClinGen allele CA271904015.